The following is an entry in ClinVar:

ClinVar aggregate classification (germline): Uncertain significance (1 of 4 stars; one submission).

Conditions:
Inborn genetic diseases. Identifiers: MedGen C0950123, MeSH D030342.

Submission:

Ambry Genetics
Classification: Uncertain significance for Inborn genetic diseases. Last evaluated: 2025-04-05. Review status: criteria provided, single submitter. Criteria: Ambry Variant Classification Scheme 2023. Collection method: clinical testing. Allele origin: germline.
Comment: The p.R112G variant (also known as c.334C>G), located in coding exon 1 of the KDM1A gene, results from a C to G substitution at nucleotide position 334. The arginine at codon 112 is replaced by glycine, an amino acid with dissimilar properties. This amino acid position is conserved. In addition, this alteration is predicted to be tolerated by in silico analysis. Based on the available evidence, the clinical significance of this variant remains unclear.

NM_001009999.3(KDM1A):c.334C>G (p.Arg112Gly)

Gene: KDM1A (lysine demethylase 1A; plus strand). Cytogenetic location: 1p36.12.
Variant type: single nucleotide variant.
Coding change: c.334C>G on transcript NM_001009999.3 (MANE Select); coding-DNA position 334, C replaced by G.
Protein change: p.Arg112Gly; replaces arginine 112 with glycine.
Molecular consequence: missense variant.
Genome position (GRCh38, 1-based): chr1:23,019,930, C>G. VCF-style: chr1-23019930-C-G. GRCh37 (hg19) VCF-style: chr1-23346423-C-G.
Other names: c.334C>G, p.Arg112Gly (NM_001363654.2, NM_001410762.1, NM_001410763.1 and 1 more transcripts); short protein forms R112G.
Identifiers: ClinVar variation 4042085 (VCV004042085.1).
Genomic context (GRCh38, chr1:23,019,930, plus strand): 5'-GGGTCTGCGACCCCCATGGAAACTGGAATAGCAGAGACTCCGGAGGGGCGTCGGACCAGC[C>G]GGCGCAAGCGGGCGAAGGTAAGGCTCGACCCTTCCCTCAAACGACACCGCCTGGTGCCGA-3'
Protein context (NP_001009999.1, residues 102-122): AETPEGRRTS[Arg112Gly]RKRAKVEYRE